The following is an entry in ClinVar:

ClinVar aggregate classification (germline): Uncertain significance (1 of 4 stars; one submission).

Allele frequency attached by ClinVar (database versions not stated): ExAC 0.00001.

Submission:

Labcorp Genetics (formerly Invitae), Labcorp
Classification: Uncertain significance. Last evaluated: 2022-04-21. Review status: criteria provided, single submitter. Criteria: Invitae Variant Classification Sherloc (09022015). Collection method: clinical testing. Allele origin: germline.
Comment: In summary, the available evidence is currently insufficient to determine the role of this variant in disease. Therefore, it has been classified as a Variant of Uncertain Significance. Algorithms developed to predict the effect of missense changes on protein structure and function are either unavailable or do not agree on the potential impact of this missense change (SIFT: "Deleterious"; PolyPhen-2: "Probably Damaging"; Align-GVGD: "Class C0"). This variant has not been reported in the literature in individuals affected with KIF20A-related conditions. This variant is present in population databases (rs772117289, gnomAD 0.006%). This sequence change replaces isoleucine, which is neutral and non-polar, with methionine, which is neutral and non-polar, at codon 810 of the KIF20A protein (p.Ile810Met).

NM_005733.3(KIF20A):c.2430T>G (p.Ile810Met)

Gene: KIF20A (kinesin family member 20A; plus strand). Cytogenetic location: 5q31.2.
Variant type: single nucleotide variant.
Coding change: c.2430T>G on transcript NM_005733.3 (MANE Select); coding-DNA position 2430, T replaced by G.
Protein change: p.Ile810Met; replaces isoleucine 810 with methionine.
Molecular consequence: missense variant.
Genome position (GRCh38, 1-based): chr5:138,187,170, T>G. VCF-style: chr5-138187170-T-G. GRCh37 (hg19) VCF-style: chr5-137522859-T-G.
Other names: short protein forms I810M.
Identifiers: ClinVar variation 2128672 (VCV002128672.4), dbSNP rs772117289, ClinGen allele CA3426922.